The following is an entry in ClinVar:

ClinVar aggregate classification (germline): Uncertain significance (1 of 4 stars; one submission).

Allele frequency attached by ClinVar (database versions not stated): gnomAD exomes below 0.00001; ExAC 0.00001; gnomAD 0.00001.
gnomAD v4.1: 7 of 1,614,004 alleles (0.00043%); highest among the groups gnomAD compares: South Asian, 0.0022%; no homozygotes.

Submission:

Labcorp Genetics (formerly Invitae), Labcorp
Classification: Uncertain significance. Last evaluated: 2022-11-08. Review status: criteria provided, single submitter. Criteria: Invitae Variant Classification Sherloc (09022015). Collection method: clinical testing. Allele origin: germline.
Comment: In summary, the available evidence is currently insufficient to determine the role of this variant in disease. Therefore, it has been classified as a Variant of Uncertain Significance. Algorithms developed to predict the effect of missense changes on protein structure and function (SIFT, PolyPhen-2, Align-GVGD) all suggest that this variant is likely to be disruptive. This variant has not been reported in the literature in individuals affected with MS4A1-related conditions. The frequency data for this variant in the population databases is considered unreliable, as metrics indicate poor data quality at this position in the gnomAD database. This sequence change replaces glutamic acid, which is acidic and polar, with glycine, which is neutral and non-polar, at codon 263 of the MS4A1 protein (p.Glu263Gly).

NM_152866.3(MS4A1):c.788A>G (p.Glu263Gly)

Gene: MS4A1 (membrane spanning 4-domains A1; plus strand). Cytogenetic location: 11q12.2.
Variant type: single nucleotide variant.
Coding change: c.788A>G on transcript NM_152866.3 (MANE Select); coding-DNA position 788, A replaced by G.
Protein change: p.Glu263Gly; replaces glutamic acid 263 with glycine.
Molecular consequence: missense variant.
Genome position (GRCh38, 1-based): chr11:60,468,362, A>G. VCF-style: chr11-60468362-A-G. GRCh37 (hg19) VCF-style: chr11-60235835-A-G.
Other names: c.788A>G, p.Glu263Gly (NM_152867.2, NM_021950.4); short protein forms E263G.
Identifiers: ClinVar variation 3007433 (VCV003007433.3), dbSNP rs770849757, ClinGen allele CA6025090.